The following is an entry in ClinVar:

NM_001330360.2(POLA1):c.3218A>G (p.Asn1073Ser)

Gene: POLA1 (DNA polymerase alpha 1, catalytic subunit; plus strand). Cytogenetic location: Xp22.11.
Variant type: single nucleotide variant.
Coding change: c.3218A>G on transcript NM_001330360.2 (MANE Select); coding-DNA position 3218, A replaced by G.
Protein change: p.Asn1073Ser; replaces asparagine 1073 with serine.
Molecular consequence: missense variant. On other transcripts: non-coding transcript variant (2).
Genome position (GRCh38, 1-based): chrX:24,812,785, A>G. VCF-style: chrX-24812785-A-G. GRCh37 (hg19) VCF-style: chrX-24830902-A-G.
Other names: c.3143A>G, p.Asn1048Ser (NM_001378303.1); c.3200A>G, p.Asn1067Ser (NM_016937.4); short protein forms N1067S, N1073S, N1048S.
Identifiers: ClinVar variation 2127457 (VCV002127457.4), dbSNP rs2518669008, ClinGen allele CA412525439.

ClinVar aggregate classification (germline): Uncertain significance (1 of 4 stars; one submission).

Submission:

Labcorp Genetics (formerly Invitae), Labcorp
Classification: Uncertain significance. Last evaluated: 2022-04-17. Review status: criteria provided, single submitter. Criteria: Invitae Variant Classification Sherloc (09022015). Collection method: clinical testing. Allele origin: germline.
Comment: In summary, the available evidence is currently insufficient to determine the role of this variant in disease. Therefore, it has been classified as a Variant of Uncertain Significance. Algorithms developed to predict the effect of missense changes on protein structure and function (SIFT, PolyPhen-2, Align-GVGD) all suggest that this variant is likely to be tolerated. This variant has not been reported in the literature in individuals affected with POLA1-related conditions. This variant is not present in population databases (gnomAD no frequency). This sequence change replaces asparagine, which is neutral and polar, with serine, which is neutral and polar, at codon 1067 of the POLA1 protein (p.Asn1067Ser).